The following is an entry in ClinVar:

ClinVar aggregate classification (germline): Conflicting classifications of pathogenicity. Review status: criteria provided, conflicting classifications (1 of 4 stars). 3 submissions from 3 submitters: Uncertain significance (1); Likely benign (2). Last evaluated 2025-03-03.

Conditions:
Dyskeratosis congenita. Identifiers: Orphanet 1775, MedGen C0265965, MONDO:0015780.
Dyskeratosis congenita, autosomal dominant 2. Identifiers: MedGen C3151443, MONDO:0013521, OMIM 613989.
Idiopathic Pulmonary Fibrosis. Also called: Idiopathic fibrosing alveolitis, chronic form; idiopathic fibrosing alveolitis. Identifiers: Orphanet 2032, MedGen C1800706, MeSH D054990, MONDO:0800504.

Allele frequency attached by ClinVar (database versions not stated): TOPMed 0.00002; gnomAD exomes 0.00003; ExAC 0.00005.
gnomAD v4.1: 22 of 1,581,546 alleles (0.0014%); highest among the groups gnomAD compares: East Asian, 0.016%; no homozygotes.

Submissions (3):

Labcorp Genetics (formerly Invitae), Labcorp
Classification: Likely benign for Dyskeratosis congenita, autosomal dominant 2; Idiopathic Pulmonary Fibrosis. Last evaluated: 2025-03-03. Review status: criteria provided, single submitter. Criteria: Invitae Variant Classification Sherloc (09022015). Collection method: clinical testing. Allele origin: germline.

Ambry Genetics
Classification: Likely benign for Dyskeratosis congenita. Last evaluated: 2025-01-06. Review status: criteria provided, single submitter. Criteria: Ambry Variant Classification Scheme 2023. Collection method: clinical testing. Allele origin: germline.

GeneDx
Classification: Uncertain significance. Last evaluated: 2023-03-16. Review status: criteria provided, single submitter. Criteria: GeneDx Variant Classification Process June 2021. Collection method: clinical testing. Allele origin: germline. Affected: yes.
Comment: In silico analysis supports that this missense variant does not alter protein structure/function; Has not been previously published as pathogenic or benign to our knowledge

NM_198253.3(TERT):c.751G>A (p.Val251Ile)

Gene: TERT (telomerase reverse transcriptase; minus strand). Cytogenetic location: 5p15.33.
Variant type: single nucleotide variant.
Coding change: c.751G>A on transcript NM_198253.3 (MANE Select); coding-DNA position 751, G replaced by A.
Protein change: p.Val251Ile; replaces valine 251 with isoleucine.
Molecular consequence: missense variant. On other transcripts: non-coding transcript variant (2).
Genome position (GRCh38, 1-based): chr5:1,294,135, C>T on the plus strand (G>A on the coding strand, the complement: TERT is on the minus strand). VCF-style: chr5-1294135-C-T. GRCh37 (hg19) VCF-style: chr5-1294250-C-T.
Other names: c.751G>A, p.Val251Ile (NM_001193376.3); short protein forms V251I.
Identifiers: ClinVar variation 539220 (VCV000539220.48), dbSNP rs776569822, ClinGen allele CA3184920.